The following is an entry in ClinVar:

ClinVar aggregate classification (germline): Uncertain significance (1 of 4 stars; one submission).

Submission:

Ambry Genetics
Classification: Uncertain significance. Last evaluated: 2021-06-27. Review status: criteria provided, single submitter. Criteria: Ambry Variant Classification Scheme 2023. Collection method: clinical testing. Allele origin: germline.
Comment: The p.N3113Y variant (also known as c.9337A>T), located in coding exon 67 of the PRKDC gene, results from an A to T substitution at nucleotide position 9337. The asparagine at codon 3113 is replaced by tyrosine, an amino acid with dissimilar properties. This amino acid position is conserved. In addition, the in silico prediction for this alteration is inconclusive. Since supporting evidence is limited at this time, the clinical significance of this alteration remains unclear.

NM_006904.7(PRKDC):c.9337A>T (p.Asn3113Tyr)

Gene: PRKDC (protein kinase, DNA-activated, catalytic subunit; minus strand). Cytogenetic location: 8q11.21.
Variant type: single nucleotide variant.
Coding change: c.9337A>T on transcript NM_006904.7 (MANE Select); coding-DNA position 9337, A replaced by T.
Protein change: p.Asn3113Tyr; replaces asparagine 3113 with tyrosine.
Molecular consequence: missense variant.
Genome position (GRCh38, 1-based): chr8:47,819,510, T>A on the plus strand (A>T on the coding strand, the complement: PRKDC is on the minus strand). VCF-style: chr8-47819510-T-A. GRCh37 (hg19) VCF-style: chr8-48732071-T-A.
Other names: c.9337A>T, p.Asn3113Tyr (NM_001081640.2); short protein forms N3113Y.
Identifiers: ClinVar variation 1766606 (VCV001766606.2), dbSNP rs2551865157, ClinGen allele CA371138537.